The following is an entry in ClinVar:

NM_004994.3(MMP9):c.1864G>C (p.Gly622Arg)

Genes: MMP9 (matrix metallopeptidase 9; plus strand), SLC12A5-AS1 (SLC12A5 and MMP9 antisense RNA 1; minus strand), LOC130065978 (ATAC-STARR-seq lymphoblastoid silent region 12969; plus strand). Cytogenetic location: 20q13.12.
Variant type: single nucleotide variant.
Coding change: c.1864G>C on transcript NM_004994.3 (MANE Select); coding-DNA position 1864, G replaced by C.
Protein change: p.Gly622Arg; replaces glycine 622 with arginine.
Molecular consequence: missense variant. On other transcripts: non-coding transcript variant (1).
Genome position (GRCh38, 1-based): chr20:46,014,237, G>C. VCF-style: chr20-46014237-G-C. GRCh37 (hg19) VCF-style: chr20-44642876-G-C.
Other names: short protein forms G622R.
Identifiers: ClinVar variation 1931183 (VCV001931183.5), dbSNP rs773448293, ClinGen allele CA9886843.
Genomic context (GRCh38, chr20:46,014,237, plus strand): 5'-GACAAGCTGGGCCTGGGAGCCGACGTGGCCCAGGTGACCGGGGCCCTCCGGAGTGGCAGG[G>C]GGAAGATGCTGCTGTTCAGCGGGCGGCGCCTCTGGAGGTGAGCGCCGCCGCGGCCGCCGG-3'
Protein context (NP_004985.2, residues 612-632): QVTGALRSGR[Gly622Arg]KMLLFSGRRL

ClinVar aggregate classification (germline): Uncertain significance (1 of 4 stars; one submission).

Allele frequency attached by ClinVar (database versions not stated): gnomAD exomes 0.00001; gnomAD 0.00003; TOPMed 0.00005; 1000 Genomes Project 30x 0.00016.

Submission:

Labcorp Genetics (formerly Invitae), Labcorp
Classification: Uncertain significance. Last evaluated: 2022-05-28. Review status: criteria provided, single submitter. Criteria: Invitae Variant Classification Sherloc (09022015). Collection method: clinical testing. Allele origin: germline.
Comment: This sequence change replaces glycine, which is neutral and non-polar, with arginine, which is basic and polar, at codon 622 of the MMP9 protein (p.Gly622Arg). This variant is present in population databases (rs773448293, gnomAD 0.007%). This variant has not been reported in the literature in individuals affected with MMP9-related conditions. Algorithms developed to predict the effect of missense changes on protein structure and function are either unavailable or do not agree on the potential impact of this missense change (SIFT: "Deleterious"; PolyPhen-2: "Probably Damaging"; Align-GVGD: "Class C15"). In summary, the available evidence is currently insufficient to determine the role of this variant in disease. Therefore, it has been classified as a Variant of Uncertain Significance.